The following is an entry in ClinVar:

NM_000090.4(COL3A1):c.754G>T (p.Gly252Cys)

Gene: COL3A1 (collagen type III alpha 1 chain; plus strand). Cytogenetic location: 2q32.2.
Variant type: single nucleotide variant.
Coding change: c.754G>T on transcript NM_000090.4 (MANE Select); coding-DNA position 754, G replaced by T.
Protein change: p.Gly252Cys; replaces glycine 252 with cysteine.
Molecular consequence: missense variant.
Genome position (GRCh38, 1-based): chr2:188,990,316, G>T. VCF-style: chr2-188990316-G-T. GRCh37 (hg19) VCF-style: chr2-189855042-G-T.
Other names: short protein forms G252C.
Identifiers: ClinVar variation 228249 (VCV000228249.17), dbSNP rs587779705, ClinGen allele CA10576585.

ClinVar aggregate classification (germline): Pathogenic/Likely pathogenic. Review status: criteria provided, multiple submitters, no conflicts (2 of 4 stars). 3 submissions from 3 submitters: Pathogenic (1); Likely pathogenic (2). Last evaluated 2019-09-16.

Conditions:
Ehlers-Danlos syndrome, type 4 (EDSVASC). Also called: Ehlers-Danlos syndrome vascular type; Ehlers Danlos syndrome, ecchymotic type; Ehlers Danlos syndrome, arterial type; Ehlers Danlos syndrome, Sack-Barabas type; Ehlers-Danlos Syndrome Type IV. Identifiers: Orphanet 286, MedGen C0268338, MONDO:0017314, OMIM 130050.

Allele frequency attached by ClinVar (database versions not stated): gnomAD exomes below 0.00001.
gnomAD v4.1: 1 of 1,613,086 alleles (0.000062%); highest among the groups gnomAD compares: Non-Finnish European, 0.000085%; no homozygotes.

Submissions (3):

GeneDx
Classification: Pathogenic. Last evaluated: 2019-09-16. Review status: criteria provided, single submitter. Criteria: GeneDx Variant Classification Process June 2021. Collection method: clinical testing. Allele origin: germline. Affected: yes.
Comment: In silico analysis, which includes protein predictors and evolutionary conservation, supports a deleterious effect; Located in the triple-helical region; Has not been previously published as pathogenic or benign to our knowledge; No data available from control populations to assess the frequency of this variant

Labcorp Genetics (formerly Invitae), Labcorp
Classification: Likely pathogenic for Ehlers-Danlos syndrome, type 4. Last evaluated: 2019-07-31. Review status: criteria provided, single submitter. Criteria: Invitae Variant Classification Sherloc (09022015). Collection method: clinical testing. Allele origin: germline.
Comment: Glycine residues within the Gly-Xaa-Yaa repeats of the triple helix domain are required for the structure and stability of fibrillar collagens (PMID: 7695699, 8218237, 19344236). In COL3A1, variants that affect these glycine residues are significantly enriched in individuals with disease (PMID: 24922459, 25758994) compared to the general population (ExAC). In summary, the currently available evidence indicates that the variant is pathogenic, but additional data are needed to prove that conclusively. Therefore, this variant has been classified as Likely Pathogenic. This variant has not been reported in the literature in individuals with COL3A1-related conditions. ClinVar contains an entry for this variant (Variation ID: 228249). This variant is not present in population databases (ExAC no frequency). This sequence change replaces glycine with cysteine at codon 252 of the COL3A1 protein (p.Gly252Cys). The glycine residue is highly conserved and there is a large physicochemical difference between glycine and cysteine.

Laboratory for Molecular Medicine, Mass General Brigham Personalized Medicine
Classification: Likely pathogenic for Ehlers-Danlos syndrome, type 4. Last evaluated: 2015-04-06. Review status: criteria provided, single submitter. Criteria: LMM Criteria. Collection method: clinical testing. Allele origin: germline. Inheritance: Autosomal dominant inheritance. Observed: 2 variant alleles.
Comment: The p.Gly252Cys variant has not been previously reported in individuals with cli nical features of Ehlers-Danlos syndrome type IV (EDS IV) and it was absent from large population studies. However, other variants affecting the same residue ha ve been reported in more than 9 affected individuals (p.Gly252Arg, p.Gly252Asp, p.Gly252Val; Pepin 2000, Kerwin 2008, Muller 2011, Ferre 2011, Pepin 2014, Frank 2015). Computational prediction tools and conservation analysis suggest that th e p.Gly252Cys variant may impact the protein. Variants in COL3A1 affecting conse rved glycine (Gly) residues of the G-X-Y repeat region in the triple helical col lagen domain are strongly associated with EDS IV (Pepin 2000, Pepin 2014, Frank 2015), where this variant is located. In summary, although additional studies ar e required to fully establish its clinical significance, the p.Gly252Cys variant is likely pathogenic.

Literature cited by the submitters: PubMed 7695699 (cited by Labcorp Genetics (formerly Invitae), Labcorp); PubMed 8218237 (cited by Labcorp Genetics (formerly Invitae), Labcorp); PubMed 19344236 (cited by Labcorp Genetics (formerly Invitae), Labcorp); PubMed 24922459 (cited by Labcorp Genetics (formerly Invitae), Labcorp and Laboratory for Molecular Medicine, Mass General Brigham Personalized Medicine); PubMed 25758994 (cited by Labcorp Genetics (formerly Invitae), Labcorp and Laboratory for Molecular Medicine, Mass General Brigham Personalized Medicine); PubMed 18043893 (cited by Laboratory for Molecular Medicine, Mass General Brigham Personalized Medicine); PubMed 10706896 (cited by Laboratory for Molecular Medicine, Mass General Brigham Personalized Medicine); PubMed 22492385 (cited by Laboratory for Molecular Medicine, Mass General Brigham Personalized Medicine); PubMed 24399159 (cited by Laboratory for Molecular Medicine, Mass General Brigham Personalized Medicine); PubMed 22038052 (cited by Laboratory for Molecular Medicine, Mass General Brigham Personalized Medicine).